The following is an entry in ClinVar:

ClinVar aggregate classification (germline): Pathogenic (1 of 4 stars; one submission).

Conditions:
Fanconi anemia (FA). Also called: Fanconi's anemia. Identifiers: Orphanet 84, MedGen C0015625, MeSH D005199, MONDO:0019391.

Submission:

Labcorp Genetics (formerly Invitae), Labcorp
Classification: Pathogenic for Fanconi anemia. Last evaluated: 2022-07-30. Review status: criteria provided, single submitter. Criteria: Invitae Variant Classification Sherloc (09022015). Collection method: clinical testing. Allele origin: germline.
Comment: For these reasons, this variant has been classified as Pathogenic. This variant has not been reported in the literature in individuals affected with FANCM-related conditions. This variant is not present in population databases (gnomAD no frequency). This sequence change creates a premature translational stop signal (p.Ile389Leufs*8) in the FANCM gene. It is expected to result in an absent or disrupted protein product. Loss-of-function variants in FANCM are known to be pathogenic (PMID: 29895858, 30075111).

Literature cited by the submitters: PubMed 29895858; PubMed 30075111.

NM_020937.4(FANCM):c.1165del (p.Ile389fs)

Gene: FANCM (FA complementation group M; plus strand). Cytogenetic location: 14q21.2.
Variant type: Deletion.
Coding change: c.1165del on transcript NM_020937.4 (MANE Select); coding-DNA position 1165, one base deleted (A; older notation c.1165delA).
Protein change: p.Ile389fs; shifts the reading frame from isoleucine 389.
Molecular consequence: frameshift variant.
Genome position (GRCh38, 1-based): chr14:45,154,034, A deleted; the last of 2 consecutive A bases (chr14:45,154,033-45,154,034); deleting either gives the same sequence. VCF-style (leftmost placement, unchanged base first): chr14-45154032-GA-G. GRCh37 (hg19) VCF-style: chr14-45623235-GA-G.
Other names: c.1087del, p.Ile363fs (NM_001308133.2); c.1165del, p.Ile389fs (NM_001308134.2); short protein forms I363fs, I389fs.
Identifiers: ClinVar variation 2020486 (VCV002020486.4), dbSNP rs2503102948, ClinGen allele CA2580088130.